The following is an entry in ClinVar:

NM_000264.5(PTCH1):c.652C>T (p.Gln218Ter)

Gene: PTCH1 (patched 1; minus strand). Cytogenetic location: 9q22.32.
Variant type: single nucleotide variant.
Coding change: c.652C>T on transcript NM_000264.5 (MANE Select); coding-DNA position 652, C replaced by T.
Protein change: p.Gln218Ter; replaces glutamine 218 with a stop codon.
Molecular consequence: nonsense. On other transcripts: non-coding transcript variant (1).
Genome position (GRCh38, 1-based): chr9:95,482,136, G>A on the plus strand (C>T on the coding strand, the complement: PTCH1 is on the minus strand). VCF-style: chr9-95482136-G-A. GRCh37 (hg19) VCF-style: chr9-98244418-G-A.
Other names: c.454C>T, p.Gln152Ter (NM_001083602.3, NM_001354919.2); c.649C>T, p.Gln217Ter (NM_001083603.3); c.199C>T, p.Gln67Ter (NM_001083604.3, NM_001083605.3, NM_001083606.3 and 1 more transcripts); c.652C>T, p.Gln218Ter (NM_001354918.2); short protein forms Q218*, Q217*, Q152*, Q67*.
Identifiers: ClinVar variation 5027560 (VCV005027560.1).

ClinVar aggregate classification (germline): Pathogenic (1 of 4 stars; one submission).

Conditions:
Hereditary cancer-predisposing syndrome. Also called: Neoplastic Syndromes, Hereditary; Tumor predisposition; Hereditary neoplastic syndrome; Hereditary Cancer Syndrome. Identifiers: Orphanet 140162, MedGen C0027672, MeSH D009386, MONDO:0015356.

Submission:

Ambry Genetics
Classification: Pathogenic for Hereditary cancer-predisposing syndrome. Last evaluated: 2026-09-04. Review status: criteria provided, single submitter. Criteria: Ambry Variant Classification Scheme 2023. Collection method: clinical testing. Allele origin: germline.
Comment: The p.Q218* pathogenic mutation (also known as c.652C>T), located in coding exon 4 of the PTCH1 gene, results from a C to T substitution at nucleotide position 652. This changes the amino acid from a glutamine to a stop codon within coding exon 4. This variant was reported in individual(s) with features consistent with PTCH1-related nevoid basal cell carcinoma syndrome (Ambry internal data). This variant is considered to be rare based on population cohorts in the Genome Aggregation Database (gnomAD). This alteration is expected to result in loss of function by premature protein truncation or nonsense-mediated mRNA decay. As such, this alteration is interpreted as a disease-causing mutation.